The following is an entry in ClinVar:

NM_006623.4(PHGDH):c.868G>A (p.Glu290Lys)

Gene: PHGDH (phosphoglycerate dehydrogenase; plus strand). Cytogenetic location: 1p12.
Variant type: single nucleotide variant.
Coding change: c.868G>A on transcript NM_006623.4 (MANE Select); coding-DNA position 868, G replaced by A.
Protein change: p.Glu290Lys; replaces glutamic acid 290 with lysine.
Molecular consequence: missense variant.
Genome position (GRCh38, 1-based): chr1:119,737,189, G>A. VCF-style: chr1-119737189-G-A. GRCh37 (hg19) VCF-style: chr1-120279812-G-A.
Other names: short protein forms E290K.
Identifiers: ClinVar variation 1401848 (VCV001401848.5), dbSNP rs2101204959, ClinGen allele CA341851269.

ClinVar aggregate classification (germline): Uncertain significance (1 of 4 stars; one submission).

Conditions:
PHGDH deficiency. Identifiers: Orphanet 79351, MedGen C1866174, MONDO:0011152, OMIM 601815.

Submission:

Labcorp Genetics (formerly Invitae), Labcorp
Classification: Uncertain significance for PHGDH deficiency. Last evaluated: 2022-07-05. Review status: criteria provided, single submitter. Criteria: Invitae Variant Classification Sherloc (09022015). Collection method: clinical testing. Allele origin: germline.
Comment: This sequence change replaces glutamic acid, which is acidic and polar, with lysine, which is basic and polar, at codon 290 of the PHGDH protein (p.Glu290Lys). This variant is not present in population databases (gnomAD no frequency). This variant has not been reported in the literature in individuals affected with PHGDH-related conditions. ClinVar contains an entry for this variant (Variation ID: 1401848). Algorithms developed to predict the effect of missense changes on protein structure and function are either unavailable or do not agree on the potential impact of this missense change (SIFT: "Deleterious"; PolyPhen-2: "Probably Damaging"; Align-GVGD: "Class C0"). In summary, the available evidence is currently insufficient to determine the role of this variant in disease. Therefore, it has been classified as a Variant of Uncertain Significance.